The following is an entry in ClinVar:

ClinVar aggregate classification (germline): Uncertain significance. Review status: criteria provided, multiple submitters, no conflicts (2 of 4 stars). 2 submissions from 2 submitters: Uncertain significance (2). Last evaluated 2026-01-13.

Conditions:
Hypertrophic cardiomyopathy 25 (CMH25). Also called: CARDIOMYOPATHY, FAMILIAL HYPERTROPHIC, 25. Identifiers: MedGen C4225408, MONDO:0011843, OMIM 607487.
Primary familial hypertrophic cardiomyopathy (HCM). Identifiers: Orphanet 99739, MedGen C0949658, MeSH D024741, MONDO:0024573. Inheritance: Various modes of inheritance.
Cardiovascular phenotype. Identifiers: MedGen CN230736.

Submissions (2):

Labcorp Genetics (formerly Invitae), Labcorp
Classification: Uncertain significance for Hypertrophic cardiomyopathy 25; Primary familial hypertrophic cardiomyopathy. Last evaluated: 2026-01-13. Review status: criteria provided, single submitter. Criteria: Invitae Variant Classification Sherloc (09022015). Collection method: clinical testing. Allele origin: germline.
Comment: This variant, c.62_64del, results in the deletion of 1 amino acid(s) of the TCAP protein (p.Phe21del), but otherwise preserves the integrity of the reading frame. This variant is not present in population databases (gnomAD no frequency). This variant has not been reported in the literature in individuals affected with TCAP-related conditions. ClinVar contains an entry for this variant (Variation ID: 2927814). In summary, the available evidence is currently insufficient to determine the role of this variant in disease. Therefore, it has been classified as a Variant of Uncertain Significance.

Ambry Genetics
Classification: Uncertain significance for Cardiovascular phenotype. Last evaluated: 2025-04-21. Review status: criteria provided, single submitter. Criteria: Ambry Variant Classification Scheme 2023. Collection method: clinical testing. Allele origin: germline.
Comment: The c.62_64delTCT variant (also known as p.F21del) is located in coding exon 1 of the TCAP gene. This variant results from an in-frame TCT deletion at nucleotide positions 62 to 64. This results in the in-frame deletion of a phenylalanine at codon 21. This amino acid position is well conserved in available vertebrate species. In addition, this alteration is predicted to be deleterious by in silico analysis (Choi Y et al. PLoS ONE. 2012; 7(10):e46688). Based on the available evidence, the clinical significance of this variant remains unclear.

NM_003673.4(TCAP):c.62_64del (p.Phe21del)

Gene: TCAP (titin-cap; plus strand). Cytogenetic location: 17q12.
Variant type: Deletion.
Coding change: c.62_64del on transcript NM_003673.4 (MANE Select); coding-DNA positions 62 to 64, 3 bases deleted (TCT; older notation c.62_64delTCT).
Protein change: p.Phe21del; deletes phenylalanine 21.
Molecular consequence: inframe deletion.
Genome position (GRCh38, 1-based): chr17:39,665,421-39,665,423, TCT deleted; deleting any 3 consecutive bases within chr17:39,665,419-39,665,423 gives the same sequence; the c. name uses the placement nearest the transcript's 3' end. VCF-style (leftmost placement, unchanged base first): chr17-39665418-CCTT-C. GRCh37 (hg19) VCF-style: chr17-37821671-CCTT-C.
Other names: short protein forms F21del.
Identifiers: ClinVar variation 2927814 (VCV002927814.4), dbSNP rs1373067817, ClinGen allele CA771857880.